The following is an entry in ClinVar:

NM_004544.4(NDUFA10):c.481C>T (p.Arg161Cys)

Gene: NDUFA10 (NADH:ubiquinone oxidoreductase subunit A10; minus strand). Cytogenetic location: 2q37.3.
Variant type: single nucleotide variant.
Coding change: c.481C>T on transcript NM_004544.4 (MANE Select); coding-DNA position 481, C replaced by T.
Protein change: p.Arg161Cys; replaces arginine 161 with cysteine.
Molecular consequence: missense variant. On other transcripts: non-coding transcript variant (4).
Genome position (GRCh38, 1-based): chr2:240,018,619, G>A on the plus strand (C>T on the coding strand, the complement: NDUFA10 is on the minus strand). VCF-style: chr2-240018619-G-A. GRCh37 (hg19) VCF-style: chr2-240958036-G-A.
Other names: c.481C>T, p.Arg161Cys (NM_001322019.2, NM_001322020.2); short protein forms R161C.
Identifiers: ClinVar variation 1489325 (VCV001489325.5), dbSNP rs748559620, ClinGen allele CA2201031.

ClinVar aggregate classification (germline): Uncertain significance (1 of 4 stars; one submission).

Allele frequency attached by ClinVar (database versions not stated): ExAC 0.00001; gnomAD 0.00001; TOPMed 0.00002.
gnomAD v4.1: 9 of 1,614,036 alleles (0.00056%); highest among the groups gnomAD compares: African/African-American, 0.004%; no homozygotes.

Submission:

Labcorp Genetics (formerly Invitae), Labcorp
Classification: Uncertain significance. Last evaluated: 2024-05-06. Review status: criteria provided, single submitter. Criteria: Invitae Variant Classification Sherloc (09022015). Collection method: clinical testing. Allele origin: germline.
Comment: This sequence change replaces arginine, which is basic and polar, with cysteine, which is neutral and slightly polar, at codon 161 of the NDUFA10 protein (p.Arg161Cys). This variant is present in population databases (rs748559620, gnomAD 0.003%). This variant has not been reported in the literature in individuals affected with NDUFA10-related conditions. ClinVar contains an entry for this variant (Variation ID: 1489325). Advanced modeling of protein sequence and biophysical properties (such as structural, functional, and spatial information, amino acid conservation, physicochemical variation, residue mobility, and thermodynamic stability) performed at Invitae indicates that this missense variant is expected to disrupt NDUFA10 protein function with a positive predictive value of 80%. In summary, the available evidence is currently insufficient to determine the role of this variant in disease. Therefore, it has been classified as a Variant of Uncertain Significance.